The following is an entry in ClinVar:

ClinVar aggregate classification (germline): Uncertain significance (1 of 4 stars; one submission).

Submission:

Labcorp Genetics (formerly Invitae), Labcorp
Classification: Uncertain significance. Last evaluated: 2024-08-29. Review status: criteria provided, single submitter. Criteria: Invitae Variant Classification Sherloc (09022015). Collection method: clinical testing. Allele origin: germline.
Comment: This sequence change replaces glycine, which is neutral and non-polar, with glutamic acid, which is acidic and polar, at codon 1577 of the MYO7A protein (p.Gly1577Glu). This variant is not present in population databases (gnomAD no frequency). This variant has not been reported in the literature in individuals affected with MYO7A-related conditions. Invitae Evidence Modeling of protein sequence and biophysical properties (such as structural, functional, and spatial information, amino acid conservation, physicochemical variation, residue mobility, and thermodynamic stability) indicates that this missense variant is not expected to disrupt MYO7A protein function with a negative predictive value of 95%. In summary, the available evidence is currently insufficient to determine the role of this variant in disease. Therefore, it has been classified as a Variant of Uncertain Significance.

NM_000260.4(MYO7A):c.4730G>A (p.Gly1577Glu)

Gene: MYO7A (myosin VIIA; plus strand). Cytogenetic location: 11q13.5.
Variant type: single nucleotide variant.
Coding change: c.4730G>A on transcript NM_000260.4 (MANE Select); coding-DNA position 4730, G replaced by A.
Protein change: p.Gly1577Glu; replaces glycine 1577 with glutamic acid.
Molecular consequence: missense variant.
Genome position (GRCh38, 1-based): chr11:77,199,696, G>A. VCF-style: chr11-77199696-G-A. GRCh37 (hg19) VCF-style: chr11-76910741-G-A.
Other names: c.4616G>A, p.Gly1539Glu (NM_001127180.2); c.4583G>A, p.Gly1528Glu (NM_001369365.1); short protein forms G1528E, G1577E, G1539E.
Identifiers: ClinVar variation 3634272 (VCV003634272.2).